The following is an entry in ClinVar:

ClinVar aggregate classification (germline): Uncertain significance (1 of 4 stars; one submission).

Conditions:
Osteogenesis imperfecta type I (OI1). Also called: OI, TYPE I; OSTEOGENESIS IMPERFECTA TARDA; OSTEOGENESIS IMPERFECTA WITH BLUE SCLERAE; Osteogenesis imperfecta type 1; Classic Non-deforming Osteogenesis Imperfecta with Blue Sclerae; Lobstein disease. Identifiers: Orphanet 216796, Orphanet 666, MedGen C0023931, MONDO:0008146, OMIM 166200. Disease mechanism: loss of function.

Submission:

Labcorp Genetics (formerly Invitae), Labcorp
Classification: Uncertain significance for Osteogenesis imperfecta type I. Last evaluated: 2022-10-01. Review status: criteria provided, single submitter. Criteria: Invitae Variant Classification Sherloc (09022015). Collection method: clinical testing. Allele origin: germline.
Comment: In summary, the available evidence is currently insufficient to determine the role of this variant in disease. Therefore, it has been classified as a Variant of Uncertain Significance. This variant disrupts the c.588+5G nucleotide in the COL1A1 gene. Other variant(s) that disrupt this nucleotide have been determined to be pathogenic (PMID: 25963598; Invitae). This suggests that this nucleotide is clinically significant, and that variants that disrupt this position are likely to be disease-causing. Variants that disrupt the consensus splice site are a relatively common cause of aberrant splicing (PMID: 17576681, 9536098). Algorithms developed to predict the effect of sequence changes on RNA splicing suggest that this variant may disrupt the consensus splice site. This variant has been observed in individual(s) with clinical features of osteogenesis imperfecta (Invitae). This variant is not present in population databases (gnomAD no frequency). This sequence change falls in intron 7 of the COL1A1 gene. It does not directly change the encoded amino acid sequence of the COL1A1 protein. It affects a nucleotide within the consensus splice site.

Literature cited by the submitters: PubMed 25963598; PubMed 17576681; PubMed 9536098.

NM_000088.4(COL1A1):c.588+5G>C

Gene: COL1A1 (collagen type I alpha 1 chain; minus strand). Cytogenetic location: 17q21.33.
Variant type: single nucleotide variant.
Coding change: c.588+5G>C on transcript NM_000088.4 (MANE Select); 5 bases into the intron after coding-DNA position 588, G replaced by C.
Molecular consequence: intron variant.
Genome position (GRCh38, 1-based): chr17:50,198,156, C>G on the plus strand (G>C on the coding strand, the complement: COL1A1 is on the minus strand). VCF-style: chr17-50198156-C-G. GRCh37 (hg19) VCF-style: chr17-48275517-C-G.
Identifiers: ClinVar variation 2033654 (VCV002033654.4), dbSNP rs2509247867, ClinGen allele CA2580094366.